The following is an entry in ClinVar:

ClinVar aggregate classification (germline): Uncertain significance (1 of 4 stars; one submission).

Submission:

Labcorp Genetics (formerly Invitae), Labcorp
Classification: Uncertain significance. Last evaluated: 2025-01-31. Review status: criteria provided, single submitter. Criteria: Invitae Variant Classification Sherloc (09022015). Collection method: clinical testing. Allele origin: germline.
Comment: This sequence change creates a premature translational stop signal (p.Thr194Leufs*32) in the NDUFAF7 gene. It is expected to result in an absent or disrupted protein product. However, the current clinical and genetic evidence is not sufficient to establish whether loss-of-function variants in NDUFAF7 cause disease. This variant is not present in population databases (gnomAD no frequency). This variant has not been reported in the literature in individuals affected with NDUFAF7-related conditions. In summary, the available evidence is currently insufficient to determine the role of this variant in disease. Therefore, it has been classified as a Variant of Uncertain Significance.

NM_144736.5(NDUFAF7):c.874del (p.Thr292fs)

Gene: NDUFAF7 (NADH:ubiquinone oxidoreductase complex assembly factor 7; plus strand). Cytogenetic location: 2p22.2.
Variant type: Deletion.
Coding change: c.874del on transcript NM_144736.5 (MANE Select); coding-DNA position 874, one base deleted (A; older notation c.874delA).
Protein change: p.Thr292fs; shifts the reading frame from threonine 292.
Molecular consequence: frameshift variant. On other transcripts: non-coding transcript variant (10).
Genome position (GRCh38, 1-based): chr2:37,246,133, A deleted; the last of 2 consecutive A bases (chr2:37,246,132-37,246,133); deleting either gives the same sequence. VCF-style (leftmost placement, unchanged base first): chr2-37246131-TA-T. GRCh37 (hg19) VCF-style: chr2-37473274-TA-T.
Other names: c.580del, p.Thr194fs (NM_001083946.2); c.874del, p.Thr292fs (NM_001350024.2); c.793del, p.Thr265fs (NM_001350025.2); c.661del, p.Thr221fs (NM_001350027.2); short protein forms T265fs, T194fs, T221fs, T292fs.
Identifiers: ClinVar variation 3672798 (VCV003672798.2).
Genomic context (GRCh38, chr2:37,246,131, plus strand): 5'-ATGTTGAAGTGTGTCCTGATGCTGGTGTTATCATCGAGGAACTTTCTCAACGCATTGCAT[TA>T]ACTGGAGGTGCTGCACTGGTTGCTGATTATGGTCATGATGGAACAAAGACAGATACCTTC-3'